The following is an entry in ClinVar:

ClinVar aggregate classification (germline): Uncertain significance (1 of 4 stars; one submission).

Conditions:
Long QT syndrome (LQTS). Identifiers: MedGen C0023976, MeSH D008133, MONDO:0002442. Disease mechanism: loss of function. Inheritance: Various modes of inheritance.

Allele frequency attached by ClinVar (database versions not stated): gnomAD exomes 0.00001.
gnomAD v4.1: 3 of 1,591,892 alleles (0.00019%); highest among the groups gnomAD compares: Admixed American, 0.0017%; no homozygotes.

Submission:

Labcorp Genetics (formerly Invitae), Labcorp
Classification: Uncertain significance for Long QT syndrome. Last evaluated: 2025-11-27. Review status: criteria provided, single submitter. Criteria: Invitae Variant Classification Sherloc (09022015). Collection method: clinical testing. Allele origin: germline.
Comment: This sequence change replaces leucine, which is neutral and non-polar, with valine, which is neutral and non-polar, at codon 15 of the KCNH2 protein (p.Leu15Val). This variant is present in population databases (no rsID available, gnomAD 0.003%). This variant has not been reported in the literature in individuals affected with KCNH2-related conditions. ClinVar contains an entry for this variant (Variation ID: 1983923). An algorithm developed to predict the effect of missense changes on protein structure and function (PolyPhen-2) suggests that this variant is likely to be disruptive. In summary, the available evidence is currently insufficient to determine the role of this variant in disease. Therefore, it has been classified as a Variant of Uncertain Significance.

NM_000238.4(KCNH2):c.43C>G (p.Leu15Val)

Gene: KCNH2 (potassium voltage-gated channel subfamily H member 2; minus strand). Cytogenetic location: 7q36.1.
Variant type: single nucleotide variant.
Coding change: c.43C>G on transcript NM_000238.4 (MANE Select); coding-DNA position 43, C replaced by G.
Protein change: p.Leu15Val; replaces leucine 15 with valine.
Molecular consequence: missense variant.
Genome position (GRCh38, 1-based): chr7:150,977,871, G>C on the plus strand (C>G on the coding strand, the complement: KCNH2 is on the minus strand). VCF-style: chr7-150977871-G-C. GRCh37 (hg19) VCF-style: chr7-150674959-G-C.
Other names: c.43C>G, p.Leu15Val (NM_172056.3); short protein forms L15V.
Identifiers: ClinVar variation 1983923 (VCV001983923.4), dbSNP rs1452324629, ClinGen allele CA369866700.